The following is an entry in ClinVar:

ClinVar aggregate classification (germline): Conflicting classifications of pathogenicity. Review status: criteria provided, conflicting classifications (1 of 4 stars). 2 submissions from 2 submitters: Likely pathogenic (1); Uncertain significance (1). Last evaluated 2025-05-20.

Conditions:
Autosomal recessive Alport syndrome (ATS2). Also called: COL4A3-Related Nephropathy; ALPORT SYNDROME 2, AUTOSOMAL RECESSIVE; Alport syndrome type 2; COL4A4 Alport Syndrome and Thin Basement Membrane Nephropathy. Identifiers: Orphanet 63, Orphanet 88919, MedGen C4746745, MONDO:0008762, OMIM 203780.

Submissions (2):

Women's Health and Genetics/Laboratory Corporation of America, LabCorp
Classification: Uncertain significance. Last evaluated: 2025-05-20. Review status: criteria provided, single submitter. Criteria: LabCorp Variant Classification Summary - May 2015. Collection method: clinical testing. Allele origin: germline.
Comment: Variant summary: COL4A3 c.2153G>C (p.Gly718Ala) results in a non-conservative amino acid change in the encoded protein sequence. Algorithms developed to predict the effect of missense changes on protein structure and function all suggest that this variant is likely to be disruptive. The variant was absent in 243790 control chromosomes. The available data on variant occurrences in the general population are insufficient to allow any conclusion about variant significance. c.2153G>C has been observed in an individual affected with Alport Syndrome, Autosomal Recessive (Domingo-Gallego_2022). These data do not allow any conclusion about variant significance. To our knowledge, no experimental evidence demonstrating an impact on protein function has been reported. The following publication have been ascertained in the context of this evaluation (PMID: 33532864). ClinVar contains an entry for this variant (Variation ID: 974463). Based on the evidence outlined above, the variant was classified as uncertain significance.

Molecular Biology Laboratory, Fundació Puigvert
Classification: Likely pathogenic for Autosomal recessive Alport syndrome. Last evaluated: 2020-02-01. Review status: criteria provided, single submitter. Criteria: ACMG Guidelines, 2015. Collection method: research. Allele origin: germline. Affected: yes. Study: KidneyPanel_2020.

Literature cited by the submitters: PubMed 33532864 (cited by Women's Health and Genetics/Laboratory Corporation of America, LabCorp and Molecular Biology Laboratory, Fundació Puigvert).

NM_000091.5(COL4A3):c.2153G>C (p.Gly718Ala)

Genes: MFF-DT (MFF divergent transcript; minus strand), COL4A3 (collagen type IV alpha 3 chain; plus strand). Cytogenetic location: 2q36.3.
Variant type: single nucleotide variant.
Coding change: c.2153G>C on transcript NM_000091.5 (MANE Select); coding-DNA position 2153, G replaced by C.
Protein change: p.Gly718Ala; replaces glycine 718 with alanine.
Molecular consequence: missense variant.
Genome position (GRCh38, 1-based): chr2:227,279,820, G>C. VCF-style: chr2-227279820-G-C. GRCh37 (hg19) VCF-style: chr2-228144536-G-C.
Other names: short protein forms G718A.
Identifiers: ClinVar variation 974463 (VCV000974463.2), dbSNP rs267599232, ClinGen allele CA350847552.